The following is an entry in ClinVar:

NM_001367871.1(FBRSL1):c.1326G>A (p.Pro442=)

Gene: FBRSL1 (fibrosin like 1; plus strand). Cytogenetic location: 12q24.33.
Variant type: single nucleotide variant.
Coding change: c.1326G>A on transcript NM_001367871.1 (MANE Select); coding-DNA position 1326, G replaced by A.
Protein change: p.Pro442=; no amino-acid change (proline 442 retained).
Molecular consequence: synonymous variant. On other transcripts: intron variant (3).
Genome position (GRCh38, 1-based): chr12:132,571,180, G>A. VCF-style: chr12-132571180-G-A. GRCh37 (hg19) VCF-style: chr12-133147766-G-A.
Other names: c.1214-127G>A (NM_001382739.1, NM_001142641.2); c.1213+640G>A (NM_001382740.1).
Identifiers: ClinVar variation 2643648 (VCV002643648.24), dbSNP rs1401471128, ClinGen allele CA685554578.

ClinVar aggregate classification (germline): Likely benign (1 of 4 stars; one submission).

Allele frequency attached by ClinVar (database versions not stated): TOPMed 0.00003; gnomAD 0.00004; gnomAD exomes 0.00006.
gnomAD v4.1: 74 of 1,430,222 alleles (0.0052%); highest among the groups gnomAD compares: Admixed American, 0.0084%; no homozygotes.

Submission:

CeGaT Center for Human Genetics Tuebingen
Classification: Likely benign. Last evaluated: 2023-04-01. Review status: criteria provided, single submitter. Criteria: CeGaT Center For Human Genetics Tuebingen Variant Classification Criteria Version 2. Collection method: clinical testing. Allele origin: germline. Affected: yes. Observed: 1 variant allele.
Comment: FBRSL1: BP4, BP7